The following is an entry in ClinVar:

ClinVar aggregate classification (germline): Benign (1 of 4 stars; one submission).

Allele frequency attached by ClinVar (database versions not stated): 1000 Genomes Project 0.01997; 1000 Genomes Project 30x 0.02061; TOPMed 0.03841; gnomAD 0.04523 and 0.04654.
gnomAD v4.1: 6,830 of 151,972 alleles (4.5%); highest among the groups gnomAD compares: Non-Finnish European, 6.8%; 219 homozygotes.

Submission:

GeneDx
Classification: Benign. Last evaluated: 2018-06-14. Review status: criteria provided, single submitter. Criteria: GeneDx Variant Classification (06012015). Collection method: clinical testing. Allele origin: germline. Affected: yes.
Comment: This variant is considered likely benign or benign based on one or more of the following criteria: it is a conservative change, it occurs at a poorly conserved position in the protein, it is predicted to be benign by multiple in silico algorithms, and/or has population frequency not consistent with disease.

NM_001844.5(COL2A1):c.2734-269G>A

Gene: COL2A1 (collagen type II alpha 1 chain; minus strand). Cytogenetic location: 12q13.11.
Variant type: single nucleotide variant.
Coding change: c.2734-269G>A on transcript NM_001844.5 (MANE Select); 269 bases into the intron before coding-DNA position 2734, G replaced by A.
Molecular consequence: intron variant.
Genome position (GRCh38, 1-based): chr12:47,979,027, C>T on the plus strand (G>A on the coding strand, the complement: COL2A1 is on the minus strand). VCF-style: chr12-47979027-C-T. GRCh37 (hg19) VCF-style: chr12-48372810-C-T.
Other names: c.2527-269G>A (NM_033150.3).
Identifiers: ClinVar variation 669747 (VCV000669747.1), dbSNP rs75447849, ClinGen allele CA236522189.